The following is an entry in ClinVar:

ClinVar aggregate classification (germline): Pathogenic (1 of 4 stars; one submission).

Submission:

GeneDx
Classification: Pathogenic. Last evaluated: 2018-08-15. Review status: criteria provided, single submitter. Criteria: GeneDx Variant Classification (06012015). Collection method: clinical testing. Allele origin: germline. Affected: yes.
Comment: The c.865delT variant in the CYBB gene causes a frameshift starting with codon Tryptophan 289, changes this amino acid to a Glycine residue and creates a premature Stop codon at position 24 of the new reading frame, denoted p.Trp289GlyfsX24. This variant is predicted to cause loss of normal protein function either through protein truncation or nonsense-mediated mRNA decay. The c.865delT variant is not observed in large population cohorts (Lek et al., 2016). Therefore, this variant is pathogenic.

NM_000397.4(CYBB):c.865del (p.Trp289fs)

Gene: CYBB (cytochrome b-245 beta chain; plus strand). Cytogenetic location: Xp11.4.
Variant type: Deletion.
Coding change: c.865del on transcript NM_000397.4 (MANE Select); coding-DNA position 865, one base deleted (T; older notation c.865delT).
Protein change: p.Trp289fs; shifts the reading frame from tryptophan 289.
Molecular consequence: frameshift variant.
Genome position (GRCh38, 1-based): chrX:37,801,316, T deleted; the last of 4 consecutive T bases (chrX:37,801,313-37,801,316); deleting any one gives the same sequence. VCF-style (leftmost placement, unchanged base first): chrX-37801312-GT-G. GRCh37 (hg19) VCF-style: chrX-37660565-GT-G.
Other names: short protein forms W289fs.
Identifiers: ClinVar variation 817781 (VCV000817781.1), dbSNP rs1602182150, ClinGen allele CA915950921.